The following is an entry in ClinVar:

NM_000152.5(GAA):c.-32-3C>T

Gene: GAA (alpha glucosidase; plus strand). Cytogenetic location: 17q25.3.
Variant type: single nucleotide variant.
Coding change: c.-32-3C>T on transcript NM_000152.5 (MANE Select); 3 bases into the intron before 32 bases upstream of the start codon, C replaced by T.
Molecular consequence: intron variant.
Genome position (GRCh38, 1-based): chr17:80,104,552, C>T. VCF-style: chr17-80104552-C-T. GRCh37 (hg19) VCF-style: chr17-78078351-C-T.
Other names: c.-32-3C>T (NM_001079803.3, NM_001079804.3).
Identifiers: ClinVar variation 1500801 (VCV001500801.6), dbSNP rs1055945806, ClinGen allele CA628018629.

ClinVar aggregate classification (germline): Uncertain significance (1 of 4 stars; one submission).

Conditions:
Glycogen storage disease, type II (IOPD). Also called: GLYCOGENOSIS, GENERALIZED, CARDIAC FORM; GSD II; Glucosidase acid-1,4-alpha deficiency; Pompe Disease; POMPE DISEASE, INFANTILE-ONSET; GLYCOGEN STORAGE DISEASE II, INFANTILE-ONSET. Identifiers: Orphanet 365, MedGen C0017921, MONDO:0009290, OMIM 232300.

Allele frequency attached by ClinVar (database versions not stated): gnomAD 0.00001.
gnomAD v4.1: 1 of 1,582,200 alleles (0.000063%); highest among the groups gnomAD compares: Non-Finnish European, 0.000086%; no homozygotes.

Submission:

Labcorp Genetics (formerly Invitae), Labcorp
Classification: Uncertain significance for Glycogen storage disease, type II. Last evaluated: 2022-01-18. Review status: criteria provided, single submitter. Criteria: Invitae Variant Classification Sherloc (09022015). Collection method: clinical testing. Allele origin: germline.
Comment: In summary, the available evidence is currently insufficient to determine the role of this variant in disease. Therefore, it has been classified as a Variant of Uncertain Significance. This variant disrupts the c.-32-3C nucleotide in the GAA gene. Other variant(s) that disrupt this nucleotide have been determined to be pathogenic (PMID: 18429042, 19588081, 20464284). This suggests that this nucleotide is clinically significant, and that variants that disrupt this position are likely to be disease-causing. Variants that disrupt the consensus splice site are a relatively common cause of aberrant splicing (PMID: 17576681, 9536098). Algorithms developed to predict the effect of sequence changes on RNA splicing suggest that this variant may create or strengthen a splice site. This variant has not been reported in the literature in individuals affected with GAA-related conditions. This variant is present in population databases (no rsID available, gnomAD 0.007%). This variant occurs in a non-coding region of the GAA gene. It does not change the encoded amino acid sequence of the GAA protein. It affects a nucleotide within the consensus splice site.

Literature cited by the submitters: PubMed 18429042; PubMed 19588081; PubMed 20464284; PubMed 17576681; PubMed 9536098.